The following is an entry in ClinVar:

NM_000124.4(ERCC6):c.2296_2297delinsA (p.Cys766fs)

Gene: ERCC6 (ERCC excision repair 6, chromatin remodeling factor; minus strand). Cytogenetic location: 10q11.23.
Variant type: Indel.
Coding change: c.2296_2297delinsA on transcript NM_000124.4 (MANE Select); coding-DNA positions 2296 to 2297, TG replaced by A.
Protein change: p.Cys766fs; shifts the reading frame from cysteine 766.
Molecular consequence: frameshift variant.
Genome position (GRCh38, 1-based): chr10:49,476,300-49,476,301, CA replaced by T on the plus strand (TG replaced by A on the coding strand, the reverse complement: ERCC6 is on the minus strand). VCF-style: chr10-49476300-CA-T. GRCh37 (hg19) VCF-style: chr10-50684346-CA-T.
Other names: c.2296_2297delinsA, p.Cys766fs (NM_001346440.2); short protein forms C766fs.
Identifiers: ClinVar variation 5012748 (VCV005012748.1).

ClinVar aggregate classification (germline): Pathogenic (1 of 4 stars; one submission).

Conditions:
Cockayne spectrum with or without cerebrooculofacioskeletal syndrome. Identifiers: MedGen CN315928, MONDO:0100506.

Submission:

Myriad Genetics, Inc.
Classification: Pathogenic for Cockayne spectrum with or without cerebrooculofacioskeletal syndrome. Last evaluated: 2024-02-17. Review status: criteria provided, single submitter. Criteria: Myriad Autosomal Dominant, Autosomal Recessive and X-Linked Classification Criteria (2023). Collection method: clinical testing. Allele origin: unknown.
Comment: NM_000124.2(ERCC6):c.2296_2297delTGinsA(C766Tfs*35) is expected to be pathogenic in the context of ERCC6-related disorders. This variant is predicted to lead to an abnormal or absent protein product due to the creation of a premature termination codon in ERCC6, a gene where loss-of-function variants are known to be pathogenic. Please note: this variant was assessed in the context of healthy population screening.